The following is an entry in ClinVar:

ClinVar aggregate classification (germline): Uncertain significance (1 of 4 stars; one submission).

Conditions:
Inborn genetic diseases. Identifiers: MedGen C0950123, MeSH D030342.

Allele frequency attached by ClinVar (database versions not stated): gnomAD exomes below 0.00001.

Submission:

Ambry Genetics
Classification: Uncertain significance for Inborn genetic diseases. Last evaluated: 2021-12-10. Review status: criteria provided, single submitter. Criteria: Ambry Variant Classification Scheme 2023. Collection method: clinical testing. Allele origin: germline.
Comment: The p.M1433I variant (also known as c.4299G>T), located in coding exon 24 of the ATR gene, results from a G to T substitution at nucleotide position 4299. The methionine at codon 1433 is replaced by isoleucine, an amino acid with highly similar properties. This amino acid position is conserved. In addition, this alteration is predicted to be tolerated by in silico analysis. Since supporting evidence is limited at this time, the clinical significance of this alteration remains unclear.

NM_001184.4(ATR):c.4299G>T (p.Met1433Ile)

Gene: ATR (ATR checkpoint kinase; minus strand). Cytogenetic location: 3q23.
Variant type: single nucleotide variant.
Coding change: c.4299G>T on transcript NM_001184.4 (MANE Select); coding-DNA position 4299, G replaced by T.
Protein change: p.Met1433Ile; replaces methionine 1433 with isoleucine.
Molecular consequence: missense variant.
Genome position (GRCh38, 1-based): chr3:142,519,752, C>A on the plus strand (G>T on the coding strand, the complement: ATR is on the minus strand). VCF-style: chr3-142519752-C-A. GRCh37 (hg19) VCF-style: chr3-142238594-C-A.
Other names: c.4107G>T, p.Met1369Ile (NM_001354579.2); short protein forms M1433I, M1369I.
Identifiers: ClinVar variation 1739482 (VCV001739482.2), dbSNP rs2473245242, ClinGen allele CA354800355.